The following is an entry in ClinVar:

NM_007078.3(LDB3):c.488C>G (p.Pro163Arg)

Gene: LDB3 (LIM domain binding 3; plus strand). Cytogenetic location: 10q23.2.
Variant type: single nucleotide variant.
Coding change: c.488C>G on transcript NM_007078.3 (MANE Select); coding-DNA position 488, C replaced by G.
Protein change: p.Pro163Arg; replaces proline 163 with arginine.
Molecular consequence: missense variant. On other transcripts: intron variant (5).
Genome position (GRCh38, 1-based): chr10:86,681,602, C>G. VCF-style: chr10-86681602-C-G. GRCh37 (hg19) VCF-style: chr10-88441359-C-G.
Other names: c.488C>G, p.Pro163Arg (NM_001080115.2, NM_001171610.2, NM_001171611.2 and 3 more transcripts); c.321+1445C>G (NM_001368068.1, NM_001368066.1, NM_001080114.2 and 2 more transcripts); c.488C>G (NM_007078.2); short protein forms P163R.
Identifiers: ClinVar variation 1082176 (VCV001082176.10), dbSNP rs776608362, ClinGen allele CA5584715.

ClinVar aggregate classification (germline): Uncertain significance. Review status: criteria provided, multiple submitters, no conflicts (2 of 4 stars). 2 submissions from 2 submitters: Uncertain significance (2). Last evaluated 2024-05-07.

Conditions:
Myofibrillar myopathy 4. Also called: Zaspopathy (type). Identifiers: Orphanet 98912, MedGen C4721886, MONDO:0012277, OMIM 609452.
Cardiovascular phenotype. Identifiers: MedGen CN230736.

Allele frequency attached by ClinVar (database versions not stated): ExAC 0.00001; gnomAD 0.00001; TOPMed 0.00001.
gnomAD v4.1: 16 of 1,612,918 alleles (0.00099%); highest among the groups gnomAD compares: Non-Finnish European, 0.0012%; no homozygotes.

Submissions (2):

Labcorp Genetics (formerly Invitae), Labcorp
Classification: Uncertain significance for Myofibrillar myopathy 4. Last evaluated: 2024-05-07. Review status: criteria provided, single submitter. Criteria: Invitae Variant Classification Sherloc (09022015). Collection method: clinical testing. Allele origin: germline.
Comment: The LDB3 gene has multiple clinically relevant transcripts. This variant occurs in alternate transcript NM_007078.3, and corresponds to NM_001080116.1:c.321+1445C>G in the primary transcript. This sequence change replaces proline, which is neutral and non-polar, with arginine, which is basic and polar, at codon 163 of the LDB3 protein (p.Pro163Arg). This variant is present in population databases (rs776608362, gnomAD 0.003%). This variant has not been reported in the literature in individuals affected with LDB3-related conditions. ClinVar contains an entry for this variant (Variation ID: 1082176). Experimental studies and prediction algorithms are not available or were not evaluated, and the functional significance of this variant is currently unknown. Algorithms developed to predict the effect of sequence changes on RNA splicing suggest that this variant is not likely to affect RNA splicing. In summary, the available evidence is currently insufficient to determine the role of this variant in disease. Therefore, it has been classified as a Variant of Uncertain Significance.

Ambry Genetics
Classification: Uncertain significance for Cardiovascular phenotype. Last evaluated: 2024-05-05. Review status: criteria provided, single submitter. Criteria: Ambry Variant Classification Scheme 2023. Collection method: clinical testing. Allele origin: germline.
Comment: The p.P163R variant (also known as c.488C>G), located in coding exon 4 of the LDB3 gene, results from a C to G substitution at nucleotide position 488. The proline at codon 163 is replaced by arginine, an amino acid with dissimilar properties. This amino acid position is conserved. In addition, this alteration is predicted to be tolerated by in silico analysis. Based on the available evidence, the clinical significance of this variant remains unclear.